The following is an entry in ClinVar:

ClinVar aggregate classification (germline): Uncertain significance. Review status: criteria provided, multiple submitters, no conflicts (2 of 4 stars). 2 submissions from 2 submitters: Uncertain significance (2). Last evaluated 2024-09-19.

Conditions:
Developmental and epileptic encephalopathy 94 (DEE94). Also called: Epileptic encephalopathy, childhood-onset; CHD2-Related Neurodevelopmental Disorders. Identifiers: Orphanet 1942, Orphanet 2382, MedGen C3809278, MONDO:0014150, OMIM 615369.

Allele frequency attached by ClinVar (database versions not stated): gnomAD 0.00001.
gnomAD v4.1: 2 of 1,614,006 alleles (0.00012%); highest among the groups gnomAD compares: Non-Finnish European, 0.00017%; no homozygotes.

Submissions (2):

Labcorp Genetics (formerly Invitae), Labcorp
Classification: Uncertain significance for Developmental and epileptic encephalopathy 94. Last evaluated: 2024-09-19. Review status: criteria provided, single submitter. Criteria: Invitae Variant Classification Sherloc (09022015). Collection method: clinical testing. Allele origin: germline.
Comment: This sequence change replaces glutamine, which is neutral and polar, with leucine, which is neutral and non-polar, at codon 36 of the CHD2 protein (p.Gln36Leu). This variant is present in population databases (no rsID available, gnomAD 0.007%). This variant has not been reported in the literature in individuals affected with CHD2-related conditions. ClinVar contains an entry for this variant (Variation ID: 420607). Invitae Evidence Modeling of protein sequence and biophysical properties (such as structural, functional, and spatial information, amino acid conservation, physicochemical variation, residue mobility, and thermodynamic stability) indicates that this missense variant is not expected to disrupt CHD2 protein function with a negative predictive value of 95%. In summary, the available evidence is currently insufficient to determine the role of this variant in disease. Therefore, it has been classified as a Variant of Uncertain Significance.

GeneDx
Classification: Uncertain significance. Last evaluated: 2016-03-09. Review status: criteria provided, single submitter. Criteria: GeneDx Variant Classification (06012015). Collection method: clinical testing. Allele origin: germline. Affected: yes.
Comment: A variant of uncertain significance has been identified in the CHD2 gene. The Q36L variant has not been published as a pathogenic variant, nor has it been reported as a benign variant to our knowledge. It was not observed in approximately 6,500 individuals of European and African American ancestry in the NHLBI Exome Sequencing Project, indicating it is not a common benign variant in these populations. The Q36L variant is a non-conservative amino acid substitution, which is likely to impact secondary protein structure as these residues differ in polarity, charge, size and/or other properties. This substitution occurs at a position that is conserved in mammals. In silico analysis is inconsistent in its predictions as to whether or not the variant is damaging to the protein structure/function. Based on the currently available information, it is unclear whether this variant is a pathogenic variant or a rare benign variant.

NM_001271.4(CHD2):c.107A>T (p.Gln36Leu)

Gene: CHD2 (chromodomain helicase DNA binding protein 2; plus strand). Cytogenetic location: 15q26.1.
Variant type: single nucleotide variant.
Coding change: c.107A>T on transcript NM_001271.4 (MANE Select); coding-DNA position 107, A replaced by T.
Protein change: p.Gln36Leu; replaces glutamine 36 with leucine.
Molecular consequence: missense variant.
Genome position (GRCh38, 1-based): chr15:92,924,365, A>T. VCF-style: chr15-92924365-A-T. GRCh37 (hg19) VCF-style: chr15-93467595-A-T.
Other names: c.107A>T, p.Gln36Leu (NM_001042572.3); short protein forms Q36L.
Identifiers: ClinVar variation 420607 (VCV000420607.10), dbSNP rs1064794584, ClinGen allele CA16620037.
Genomic context (GRCh38, chr15:92,924,365, plus strand): 5'-TCTCTCTCAAAATAAGTCACTCAGCCTCTGAAGAAGCTTCGGGTTCAGACTCAGGCAGTC[A>T]GTCGGAAAGTGAGCAGGGAAGTGATCCAGGAAGTGGACATGGCAGCGAGTCGAACAGCAG-3'
Protein context (NP_001262.3, residues 26-46): EEASGSDSGS[Gln36Leu]SESEQGSDPG